The following is an entry in ClinVar:

NM_024301.5(FKRP):c.541C>T (p.Arg181Cys)

Gene: FKRP (fukutin related protein; plus strand). Cytogenetic location: 19q13.32.
Variant type: single nucleotide variant.
Coding change: c.541C>T on transcript NM_024301.5 (MANE Select); coding-DNA position 541, C replaced by T.
Protein change: p.Arg181Cys; replaces arginine 181 with cysteine.
Molecular consequence: missense variant.
Genome position (GRCh38, 1-based): chr19:46,755,991, C>T. VCF-style: chr19-46755991-C-T. GRCh37 (hg19) VCF-style: chr19-47259248-C-T.
Other names: c.541C>T (NM_024301.4); c.541C>T, p.Arg181Cys (NM_001039885.3); short protein forms R181C.
Identifiers: ClinVar variation 1396847 (VCV001396847.10), dbSNP rs777245868, ClinGen allele CA309099342.

ClinVar aggregate classification (germline): Uncertain significance. Review status: criteria provided, multiple submitters, no conflicts (2 of 4 stars). 5 submissions from 5 submitters: Uncertain significance (5). Last evaluated 2026-02-01.

Conditions:
Walker-Warburg congenital muscular dystrophy. Also called: Muscular dystrophy-dystroglycanopathy, type A; Walker-Warburg syndrome. Identifiers: Orphanet 899, MedGen C0265221, MONDO:0000171.
Muscular dystrophy-dystroglycanopathy (congenital with brain and eye anomalies), type A1 (MDDGA1). Also called: WALKER-WARBURG SYNDROME OR MUSCLE-EYE-BRAIN DISEASE, POMT1-RELATED; Hydrocephalus, agyria and retinal dysplasia; Hard +/- E syndrome; Warburg syndrome; Chemke syndrome; Pagon syndrome. Identifiers: Orphanet 588, Orphanet 899, MedGen C4284790, MONDO:0009364, OMIM 236670.
Muscular dystrophy-dystroglycanopathy (congenital with brain and eye anomalies), type A5. Also called: WALKER-WARBURG SYNDROME OR MUSCLE-EYE-BRAIN DISEASE, FKRP-RELATED; MUSCULAR DYSTROPHY-DYSTROGLYCANOPATHY (CONGENITAL WITH BRAIN AND EYE ANOMALIES), TYPE A, 5. Identifiers: Orphanet 588, Orphanet 899, MedGen C3150413, MONDO:0013157, OMIM 613153.
Muscular dystrophy-dystroglycanopathy type B5 (MDDGB5). Also called: MUSCULAR DYSTROPHY, CONGENITAL, 1C; MUSCULAR DYSTROPHY, CONGENITAL, FKRP-RELATED; MUSCULAR DYSTROPHY-DYSTROGLYCANOPATHY (CONGENITAL WITH OR WITHOUT IMPAIRED INTELLECTUAL DEVELOPMENT), TYPE B, 5. Identifiers: MedGen C1847759, MONDO:0011688, OMIM 606612.
Autosomal recessive limb-girdle muscular dystrophy type 2I. Also called: MUSCULAR DYSTROPHY-DYSTROGLYCANOPATHY, LIMB-GIRDLE, FRKP-RELATED; MUSCULAR DYSTROPHY, LIMB-GIRDLE, TYPE 2I; MUSCULAR DYSTROPHY-DYSTROGLYCANOPATHY (LIMB-GIRDLE), TYPE C, 5. Identifiers: Orphanet 34515, MedGen C1846672, MONDO:0011787, OMIM 607155.
Cardiovascular phenotype. Identifiers: MedGen CN230736.

Allele frequency attached by ClinVar (database versions not stated): 1000 Genomes Project 30x 0.00031.
gnomAD v4.1: 9 of 1,545,414 alleles (0.00058%); highest among the groups gnomAD compares: African/African-American, 0.0027%; no homozygotes.

Submissions (5):

CeGaT Center for Human Genetics Tuebingen
Classification: Uncertain significance. Last evaluated: 2026-02-01. Review status: criteria provided, single submitter. Criteria: CeGaT Center For Human Genetics Tuebingen Variant Classification Criteria Version 2. Collection method: clinical testing. Allele origin: germline. Affected: yes. Observed: 1 variant allele.
Comment: FKRP: PM2, PP3

GeneDx
Classification: Uncertain significance. Last evaluated: 2023-04-19. Review status: criteria provided, single submitter. Criteria: GeneDx Variant Classification Process June 2021. Collection method: clinical testing. Allele origin: germline. Affected: yes.
Comment: Not observed at significant frequency in large population cohorts (gnomAD); Missense variants in this gene are often considered pathogenic (HGMD); In silico analysis supports that this missense variant has a deleterious effect on protein structure/function; Has not been previously published as pathogenic or benign to our knowledge

Ambry Genetics
Classification: Uncertain significance for Cardiovascular phenotype. Last evaluated: 2022-12-23. Review status: criteria provided, single submitter. Criteria: Ambry Variant Classification Scheme 2023. Collection method: clinical testing. Allele origin: germline.
Comment: The p.R181C variant (also known as c.541C>T), located in coding exon 1 of the FKRP gene, results from a C to T substitution at nucleotide position 541. The arginine at codon 181 is replaced by cysteine, an amino acid with highly dissimilar properties. This amino acid position is conserved. In addition, the in silico prediction for this alteration is inconclusive. Since supporting evidence is limited at this time, the clinical significance of this alteration remains unclear.

Labcorp Genetics (formerly Invitae), Labcorp
Classification: Uncertain significance for Walker-Warburg congenital muscular dystrophy. Last evaluated: 2022-06-28. Review status: criteria provided, single submitter. Criteria: Invitae Variant Classification Sherloc (09022015). Collection method: clinical testing. Allele origin: germline.
Comment: This sequence change replaces arginine, which is basic and polar, with cysteine, which is neutral and slightly polar, at codon 181 of the FKRP protein (p.Arg181Cys). This variant is not present in population databases (gnomAD no frequency). This variant has not been reported in the literature in individuals affected with FKRP-related conditions. Algorithms developed to predict the effect of missense changes on protein structure and function (SIFT, PolyPhen-2, Align-GVGD) all suggest that this variant is likely to be tolerated. In summary, the available evidence is currently insufficient to determine the role of this variant in disease. Therefore, it has been classified as a Variant of Uncertain Significance.

Fulgent Genetics
Classification: Uncertain significance for Muscular dystrophy-dystroglycanopathy (congenital with brain and eye anomalies), type A1; Muscular dystrophy-dystroglycanopathy type B5; Autosomal recessive limb-girdle muscular dystrophy type 2I; Muscular dystrophy-dystroglycanopathy (congenital with brain and eye anomalies), type A5. Last evaluated: 2021-10-19. Review status: criteria provided, single submitter. Criteria: ACMG Guidelines, 2015. Collection method: clinical testing. Allele origin: unknown.